The following is an entry in ClinVar:

ClinVar aggregate classification (germline): Likely pathogenic (1 of 4 stars; one submission).

Conditions:
SCN1A-related disorder. Also called: SCN1A-related disorders; SCN1A-related conditions; SCN1A-related condition.

Submission:

3billion
Classification: Likely pathogenic for SCN1A-related disorder. Last evaluated: 2025-09-17. Review status: criteria provided, single submitter. Criteria: ACMG Guidelines, 2015. Collection method: clinical testing. Allele origin: germline. Affected: yes.
Comment: The variant is not observed in the gnomAD v4.1.0 dataset. Predicted Consequence/Location: Frameshift: predicted to result in a loss or disruption of normal protein function through nonsense-mediated decay (NMD) or protein truncation. Multiple pathogenic variants are reported downstream of the variant. Therefore, this variant is classified as Likely pathogenic according to the recommendation of ACMG/AMP guideline.

NM_001165963.4(SCN1A):c.554del (p.Phe185fs)

Gene: SCN1A (sodium voltage-gated channel alpha subunit 1; minus strand). Cytogenetic location: 2q24.3.
Variant type: Deletion.
Coding change: c.554del on transcript NM_001165963.4 (MANE Select); coding-DNA position 554, one base deleted (T; older notation c.554delT).
Protein change: p.Phe185fs; shifts the reading frame from phenylalanine 185.
Molecular consequence: frameshift variant. On other transcripts: 5 prime UTR variant (1), non-coding transcript variant (1).
Genome position (GRCh38, 1-based): chr2:166,054,686, A deleted on the plus strand (T on the coding strand, the reverse complement: SCN1A is on the minus strand); the first of 3 consecutive A bases (chr2:166,054,686-166,054,688); deleting any one gives the same sequence. VCF-style (leftmost placement, unchanged base first): chr2-166054685-GA-G. GRCh37 (hg19) VCF-style: chr2-166911195-GA-G.
Other names: c.554del, p.Phe185fs (NM_001165964.3, NM_001202435.3, NM_001353948.2 and 10 more transcripts); c.-1872del (NM_001353961.2); short protein forms F185fs.
Identifiers: ClinVar variation 4854151 (VCV004854151.1).